The following is an entry in ClinVar:

ClinVar aggregate classification (germline): Uncertain significance (1 of 4 stars; one submission).

Submission:

Labcorp Genetics (formerly Invitae), Labcorp
Classification: Uncertain significance. Last evaluated: 2024-12-10. Review status: criteria provided, single submitter. Criteria: Invitae Variant Classification Sherloc (09022015). Collection method: clinical testing. Allele origin: germline.
Comment: This sequence change replaces arginine, which is basic and polar, with glutamine, which is neutral and polar, at codon 6 of the GH1 protein (p.Arg6Gln). This variant is present in population databases (rs376469157, gnomAD 0.02%). This variant has not been reported in the literature in individuals affected with GH1-related conditions. An algorithm developed to predict the effect of missense changes on protein structure and function outputs the following: PolyPhen-2: "Benign". The glutamine amino acid residue is found in multiple mammalian species, which suggests that this missense change does not adversely affect protein function. In summary, the available evidence is currently insufficient to determine the role of this variant in disease. Therefore, it has been classified as a Variant of Uncertain Significance.

NM_000515.5(GH1):c.17G>A (p.Arg6Gln)

Genes: GH-LCR (growth hormone locus control region; plus strand), GH1 (growth hormone 1; minus strand). Cytogenetic location: 17q23.3.
Variant type: single nucleotide variant.
Coding change: c.17G>A on transcript NM_000515.5 (MANE Select); coding-DNA position 17, G replaced by A.
Protein change: p.Arg6Gln; replaces arginine 6 with glutamine.
Molecular consequence: missense variant.
Genome position (GRCh38, 1-based): chr17:63,918,500, C>T on the plus strand (G>A on the coding strand, the complement: GH1 is on the minus strand). VCF-style: chr17-63918500-C-T. GRCh37 (hg19) VCF-style: chr17-61995860-C-T.
Other names: c.17G>A, p.Arg6Gln (NM_022559.4, NM_022560.4); short protein forms R6Q.
Identifiers: ClinVar variation 3719329 (VCV003719329.2).